The following is an entry in ClinVar:

ClinVar aggregate classification (germline): Pathogenic. Review status: criteria provided, multiple submitters, no conflicts (2 of 4 stars). 6 submissions from 6 submitters: Pathogenic (5). 1 of the submissions does not count toward it. Last evaluated 2026-03-23.

Conditions:
PKD1-related disorder. Also called: PKD1-related condition.
Polycystic kidney disease, adult type (PKD1). Also called: Polycystic Kidney, Autosomal Dominant; Polycystic Kidney Disease 1, Autosomal Dominant; Polycystic kidney disease 1; Polycystic kidney disease 1, severe; POLYCYSTIC KIDNEY DISEASE 1 WITH OR WITHOUT POLYCYSTIC LIVER DISEASE; POLYCYSTIC KIDNEY DISEASE, ADULT, TYPE I. Identifiers: MedGen C3149841, MONDO:0008263, OMIM 173900.

Submissions (6):

PreventionGenetics, part of Exact Sciences
Classification: Pathogenic for PKD1-related condition. Last evaluated: 2026-03-23. Review status: criteria provided, single submitter. Criteria: ACMG Guidelines, 2015. Collection method: clinical testing. Allele origin: germline.
Comment: The PKD1 c.11554delC variant is predicted to result in a frameshift and premature protein termination (p.Leu3852Trpfs*93). This variant has been reported to be pathogenic for autosomal dominant polycystic kidney disease (ADPKD) (see for example, Rossetti et al. 2012. PubMed ID: 22383692). This variant has not been reported in a large population database (gnomAD), indicating this variant is rare. Frameshift variants in PKD1 are expected to be pathogenic. This variant is interpreted as pathogenic.

GeneDx
Classification: Pathogenic. Last evaluated: 2026-02-10. Review status: criteria provided, single submitter. Criteria: GeneDx Variant Classification Process June 2021. Collection method: clinical testing. Allele origin: germline.
Comment: Frameshift variant predicted to result in protein truncation or nonsense mediated decay in a gene for which loss of function is a known mechanism of disease; Not observed at significant frequency in large population cohorts (gnomAD); This variant is associated with the following publications: (PMID: 25920554, 28378423, 22383692, 31740684)

Victorian Clinical Genetics Services, Murdoch Childrens Research Institute
Classification: Pathogenic for Polycystic kidney disease, adult type. Last evaluated: 2026-02-04. Review status: criteria provided, single submitter. Criteria: ACMG Guidelines, 2015. Collection method: clinical testing. Allele origin: germline. Affected: yes.
Comment: This variant is classified as Pathogenic. Evidence in support of pathogenic classification: Variant is predicted to cause nonsense-mediated decay (NMD) and loss of protein (premature termination codon is located at least 54 nucleotides upstream of the final exon-exon junction); Variant is absent from gnomAD (v2, v3 and v4); This variant has moderate previous evidence of pathogenicity in unrelated individuals. This variant has been classified as pathogenic by clinical laboratories in ClinVar; Other NMD-predicted variant(s) comparable to the one identified in this case have very strong previous evidence for pathogenicity (DECIPHER). Additional information: This variant is heterozygous; This gene is associated with autosomal dominant disease. Polycystic kidney disease 1 (MIM#173900) is predominantly caused by monoallelic variants, with rare reports of biallelic variants causing disease (OMIM); Loss of function is a known mechanism of disease in this gene and is associated with polycystic kidney disease 1 (MIM#173900); Inheritance information for this variant is not currently available in this individual.

Fulgent Genetics
Classification: Pathogenic for Polycystic kidney disease, adult type. Last evaluated: 2021-12-10. Review status: criteria provided, single submitter. Criteria: ACMG Guidelines, 2015. Collection method: clinical testing. Allele origin: unknown.

ARUP Laboratories, Molecular Genetics and Genomics, ARUP Laboratories
Classification: Pathogenic for Polycystic kidney disease, adult type. Last evaluated: 2019-03-30. Review status: criteria provided, single submitter. Criteria: ARUP Molecular Germline Variant Investigation Process. Collection method: clinical testing. Allele origin: germline.
Comment: The PKD1 c.11554delC; p.Leu3852fs variant (rs724159823), is reported in the literature in several individuals affected with autosomal dominant polycystic kidney disease (Borras 2017, Rossetti 2012). This variant is absent from general population databases (Exome Variant Server, Genome Aggregation Database), indicating it is not a common polymorphism. This variant causes a frameshift by deleting a single nucleotide, so it is predicted to result in a truncated protein or mRNA subject to nonsense-mediated decay. Based on available information, this variant is considered to be pathogenic. References: Borras DM et al. Detecting PKD1 variants in polycystic kidney disease patients by single-molecule long-read sequencing. Hum Mutat. 2017 Jul;38(7):870-879. Rossetti S et al. Identification of gene mutations in autosomal dominant polycystic kidney disease through targeted resequencing. J Am Soc Nephrol. 2012 May;23(5):915-33.

Laboratory of Gastroenterology and Hepatology, Radboud University Medical Center
No classification provided. Condition: Polycystic kidney disease, adult type. Review status: no classification provided. Collection method: not provided. Allele origin: germline. Not counted in ClinVar's aggregate classification.

NM_001009944.3(PKD1):c.11554del (p.Leu3852fs)

Genes: PKD1 (polycystin 1, transient receptor potential channel interacting; minus strand), PKD1-AS1 (PKD1 antisense RNA 1; plus strand). Cytogenetic location: 16p13.3.
Variant type: Deletion.
Coding change: c.11554del on transcript NM_001009944.3 (MANE Select); coding-DNA position 11554, one base deleted (C; older notation c.11554delC).
Protein change: p.Leu3852fs; shifts the reading frame from leucine 3852.
Molecular consequence: frameshift variant. On other transcripts: non-coding transcript variant (1).
Genome position (GRCh38, 1-based): chr16:2,091,581, G deleted on the plus strand (C on the coding strand, the reverse complement: PKD1 is on the minus strand); the first of 2 consecutive G bases (chr16:2,091,581-2,091,582); deleting either gives the same sequence. VCF-style (leftmost placement, unchanged base first): chr16-2091580-AG-A. GRCh37 (hg19) VCF-style: chr16-2141581-AG-A.
Other names: c.11554del (NM_001009944.2); c.11551del, p.Leu3851fs (NM_000296.4); short protein forms L3852fs, L3851fs.
Identifiers: ClinVar variation 162375 (VCV000162375.14), dbSNP rs724159823, ClinGen allele CA210902.